The following is an entry in ClinVar:

NM_004448.4(ERBB2):c.462G>C (p.Leu154Phe)

Gene: ERBB2 (erb-b2 receptor tyrosine kinase 2; plus strand). Cytogenetic location: 17q12.
Variant type: single nucleotide variant.
Coding change: c.462G>C on transcript NM_004448.4 (MANE Select); coding-DNA position 462, G replaced by C.
Protein change: p.Leu154Phe; replaces leucine 154 with phenylalanine.
Molecular consequence: missense variant. On other transcripts: non-coding transcript variant (1), intron variant (2).
Genome position (GRCh38, 1-based): chr17:39,709,340, G>C. VCF-style: chr17-39709340-G-C. GRCh37 (hg19) VCF-style: chr17-37865593-G-C.
Other names: c.462G>C, p.Leu154Phe (NM_001382785.1, NM_001382786.1, NM_001382788.1 and 17 more transcripts); c.537G>C, p.Leu179Phe (NM_001382787.1); c.453G>C, p.Leu151Phe (NM_001382791.1); c.440-518G>C (NM_001382799.1); c.74-2588G>C (NM_001382804.1); c.372G>C, p.Leu124Phe (NM_001005862.3, NM_001289938.2, NM_001382782.1 and 1 more transcripts); c.417G>C, p.Leu139Phe (NM_001289936.2); short protein forms L139F, L179F, L151F, L154F, L124F.
Identifiers: ClinVar variation 2711372 (VCV002711372.3), dbSNP rs757446217, ClinGen allele CA8533635.
Genomic context (GRCh38, chr17:39,709,340, plus strand): 5'-AAGGGGAAAGGGTCCTCTGATCATTGCTCACCCCACAGAGATCTTGAAAGGAGGGGTCTT[G>C]ATCCAGCGGAACCCCCAGCTCTGCTACCAGGACACGATTTTGTGGAAGGACATCTTCCAC-3'
Protein context (NP_004439.2, residues 144-164): SLTEILKGGV[Leu154Phe]IQRNPQLCYQ

ClinVar aggregate classification (germline): Uncertain significance (1 of 4 stars; one submission).

Allele frequency attached by ClinVar (database versions not stated): gnomAD exomes 0.00001; ExAC 0.00002; gnomAD 0.00006; TOPMed 0.00011.
gnomAD v4.1: 14 of 1,613,962 alleles (0.00087%); highest among the groups gnomAD compares: African/African-American, 0.017%; no homozygotes.

Submission:

Labcorp Genetics (formerly Invitae), Labcorp
Classification: Uncertain significance. Last evaluated: 2024-02-13. Review status: criteria provided, single submitter. Criteria: Invitae Variant Classification Sherloc (09022015). Collection method: clinical testing. Allele origin: germline.
Comment: This sequence change replaces leucine, which is neutral and non-polar, with phenylalanine, which is neutral and non-polar, at codon 154 of the ERBB2 protein (p.Leu154Phe). This variant is present in population databases (rs757446217, gnomAD 0.02%). This variant has not been reported in the literature in individuals affected with ERBB2-related conditions. Advanced modeling of protein sequence and biophysical properties (such as structural, functional, and spatial information, amino acid conservation, physicochemical variation, residue mobility, and thermodynamic stability) performed at Invitae indicates that this missense variant is not expected to disrupt ERBB2 protein function with a negative predictive value of 80%. In summary, the available evidence is currently insufficient to determine the role of this variant in disease. Therefore, it has been classified as a Variant of Uncertain Significance.